The following is an entry in ClinVar:

ClinVar aggregate classification (germline): Uncertain significance (1 of 4 stars; one submission).

gnomAD v4.1: 3 of 1,613,972 alleles (0.00019%); highest among the groups gnomAD compares: Non-Finnish European, 0.00025%; no homozygotes.

Submission:

GeneDx
Classification: Uncertain significance. Last evaluated: 2024-07-25. Review status: criteria provided, single submitter. Criteria: GeneDx Variant Classification Process June 2021. Collection method: clinical testing. Allele origin: germline. Affected: yes.
Comment: Not observed at significant frequency in large population cohorts (gnomAD); In silico analysis indicates that this missense variant does not alter protein structure/function; Has not been previously published as pathogenic or benign to our knowledge

NM_001080517.3(SETD5):c.4076A>T (p.Asp1359Val)

Gene: SETD5 (SET domain containing 5; plus strand). Cytogenetic location: 3p25.3.
Variant type: single nucleotide variant.
Coding change: c.4076A>T on transcript NM_001080517.3 (MANE Select); coding-DNA position 4076, A replaced by T.
Protein change: p.Asp1359Val; replaces aspartic acid 1359 with valine.
Molecular consequence: missense variant.
Genome position (GRCh38, 1-based): chr3:9,475,838, A>T. VCF-style: chr3-9475838-A-T. GRCh37 (hg19) VCF-style: chr3-9517522-A-T.
Other names: c.3782A>T, p.Asp1261Val (NM_001292043.2, NM_001349451.2); short protein forms D1261V, D1359V.
Identifiers: ClinVar variation 3600678 (VCV003600678.1).
Genomic context (GRCh38, chr3:9,475,838, plus strand): 5'-GCTGCCCTTCTAGTGCTGCTAGCCCTACCCTGCAGGGACCCTCAGACTCGCCAACCTCAG[A>T]TTCAGTTTCTCAGTCCAGCACAGGAACTCTGAGTTCCACCTCCTTTCCTCAGAACTCTAG-3'
Protein context (NP_001073986.1, residues 1349-1369): LQGPSDSPTS[Asp1359Val]SVSQSSTGTL